The following is an entry in ClinVar:

ClinVar aggregate classification (germline): Uncertain significance. Review status: criteria provided, multiple submitters, no conflicts (2 of 4 stars). 2 submissions from 2 submitters: Uncertain significance (2). Last evaluated 2025-01-20.

Conditions:
Inborn genetic diseases. Identifiers: MedGen C0950123, MeSH D030342.

Allele frequency attached by ClinVar (database versions not stated): gnomAD exomes below 0.00001; gnomAD 0.00003; TOPMed 0.00003.

Submissions (2):

Ambry Genetics
Classification: Uncertain significance for Inborn genetic diseases. Last evaluated: 2025-01-20. Review status: criteria provided, single submitter. Criteria: Ambry Variant Classification Scheme 2023. Collection method: clinical testing. Allele origin: germline.

Labcorp Genetics (formerly Invitae), Labcorp
Classification: Uncertain significance. Last evaluated: 2023-05-15. Review status: criteria provided, single submitter. Criteria: Invitae Variant Classification Sherloc (09022015). Collection method: clinical testing. Allele origin: germline.
Comment: This sequence change replaces glutamic acid, which is acidic and polar, with alanine, which is neutral and non-polar, at codon 202 of the MTPAP protein (p.Glu202Ala). In summary, the available evidence is currently insufficient to determine the role of this variant in disease. Therefore, it has been classified as a Variant of Uncertain Significance. Advanced modeling of protein sequence and biophysical properties (such as structural, functional, and spatial information, amino acid conservation, physicochemical variation, residue mobility, and thermodynamic stability) performed at Invitae indicates that this missense variant is not expected to disrupt MTPAP protein function. ClinVar contains an entry for this variant (Variation ID: 1963948). This variant has not been reported in the literature in individuals affected with MTPAP-related conditions. The frequency data for this variant in the population databases is considered unreliable, as metrics indicate poor data quality at this position in the gnomAD database.

NM_018109.4(MTPAP):c.605A>C (p.Glu202Ala)

Gene: MTPAP (mitochondrial poly(A) polymerase; minus strand). Cytogenetic location: 10p11.23.
Variant type: single nucleotide variant.
Coding change: c.605A>C on transcript NM_018109.4 (MANE Select); coding-DNA position 605, A replaced by C.
Protein change: p.Glu202Ala; replaces glutamic acid 202 with alanine.
Molecular consequence: missense variant.
Genome position (GRCh38, 1-based): chr10:30,336,978, T>G on the plus strand (A>C on the coding strand, the complement: MTPAP is on the minus strand). VCF-style: chr10-30336978-T-G. GRCh37 (hg19) VCF-style: chr10-30625907-T-G.
Other names: c.605A>C (NM_018109.3); short protein forms E202A.
Identifiers: ClinVar variation 1963948 (VCV001963948.4), dbSNP rs1469032288, ClinGen allele CA376426395.
Genomic context (GRCh38, chr10:30,336,978, plus strand): 5'-AAATACGCGGCGGCCATGTCTTCAATAAGAGAACAGGTGAGATATCGGAGCTTAGTGTTC[T>G]CCTCTGTTAGCTGGAACTCCTTCAAGAGAGTGTTCAGCTGATCGTCTATCTAGCTAGCCG-3'
Protein context (NP_060579.3, residues 192-212): TLLKEFQLTE[Glu202Ala]NTKLRYLTCS